The following is an entry in ClinVar:

ClinVar aggregate classification (germline): Uncertain significance (1 of 4 stars; one submission).

Conditions:
Singleton-Merten syndrome 1 (SGMRT1). Also called: Widened medullary cavities of bone, aortic calcification, abnormal dentition, and muscular weakness; Syndrome of widened medullary cavities of the metacarpals and phalanges, aortic calcification and abnormal dentition. Identifiers: Orphanet 85191, MedGen C4225427, MONDO:0024535, OMIM 182250.
Aicardi-Goutieres syndrome 7 (AGS7). Identifiers: Orphanet 51, MedGen C3888244, MONDO:0014367, OMIM 615846.

Submission:

Labcorp Genetics (formerly Invitae), Labcorp
Classification: Uncertain significance for Aicardi-Goutieres syndrome 7; Singleton-Merten syndrome 1. Last evaluated: 2025-10-14. Review status: criteria provided, single submitter. Criteria: Invitae Variant Classification Sherloc (09022015). Collection method: clinical testing. Allele origin: germline.
Comment: This sequence change replaces lysine, which is basic and polar, with arginine, which is basic and polar, at codon 538 of the IFIH1 protein (p.Lys538Arg). This variant is not present in population databases (gnomAD no frequency). This variant has not been reported in the literature in individuals affected with IFIH1-related conditions. Invitae Evidence Modeling of protein sequence and biophysical properties (such as structural, functional, and spatial information, amino acid conservation, physicochemical variation, residue mobility, and thermodynamic stability) has been performed for this missense variant. However, the output from this modeling did not meet the statistical confidence thresholds required to predict the impact of this variant on IFIH1 protein function. In summary, the available evidence is currently insufficient to determine the role of this variant in disease. Therefore, it has been classified as a Variant of Uncertain Significance.

NM_022168.4(IFIH1):c.1613A>G (p.Lys538Arg)

Gene: IFIH1 (interferon induced with helicase C domain 1; minus strand). Cytogenetic location: 2q24.2.
Variant type: single nucleotide variant.
Coding change: c.1613A>G on transcript NM_022168.4 (MANE Select); coding-DNA position 1613, A replaced by G.
Protein change: p.Lys538Arg; replaces lysine 538 with arginine.
Molecular consequence: missense variant.
Genome position (GRCh38, 1-based): chr2:162,280,024, T>C on the plus strand (A>G on the coding strand, the complement: IFIH1 is on the minus strand). VCF-style: chr2-162280024-T-C. GRCh37 (hg19) VCF-style: chr2-163136534-T-C.
Other names: short protein forms K538R.
Identifiers: ClinVar variation 4789316 (VCV004789316.1).